The following is an entry in ClinVar:

NM_000209.4(PDX1):c.128CGC[7] (p.Pro47_His48insProPro)

Gene: PDX1 (pancreatic and duodenal homeobox 1; plus strand). Cytogenetic location: 13q12.2.
Variant type: Microsatellite.
Coding change: c.128CGC[7] on transcript NM_000209.4 (MANE Select); seven copies in a row of the 3-base unit CGC starting at c.128; the reference has five copies in a row; two copies, 6 bases duplicated.
Protein change: p.Pro47_His48insProPro.
Molecular consequence: inframe insertion.
Genome position (GRCh38, 1-based): chr13:27,920,275-27,920,280, CGCCGC duplicated; duplicating any 6 consecutive bases within chr13:27,920,265-27,920,280 gives the same sequence; the position shown is the placement nearest the transcript's 3' end. VCF-style (leftmost placement, unchanged base first): chr13-27920264-C-CCCGCCG. GRCh37 (hg19) VCF-style: chr13-28494401-C-CCCGCCG.
Identifiers: ClinVar variation 4534343 (VCV004534343.6).

ClinVar aggregate classification (germline): Likely benign (1 of 4 stars; one submission).

Submission:

CeGaT Center for Human Genetics Tuebingen
Classification: Likely benign. Last evaluated: 2025-11-01. Review status: criteria provided, single submitter. Criteria: CeGaT Center For Human Genetics Tuebingen Variant Classification Criteria Version 2. Collection method: clinical testing. Allele origin: germline. Affected: yes. Observed: 1 variant allele.
Comment: PDX1: BP3